The following is an entry in ClinVar:

ClinVar aggregate classification (germline): Likely benign (1 of 4 stars; one submission).

Conditions:
Atypical hemolytic-uremic syndrome. Identifiers: Orphanet 2134, MedGen C2931788, MONDO:0016244.
Complement component 3 deficiency. Identifiers: Orphanet 280133, MedGen C3151071, MONDO:0013417, OMIM 613779.
C3 glomerulonephritis. Also called: Nephropathy due to CFHR5 Deficiency; C3 GLOMERULOPATHY 3. Identifiers: Orphanet 329931, MedGen C4055342, MONDO:0013892, OMIM 614809.

gnomAD v4.1: 1 of 1,610,736 alleles (0.000062%); highest among the groups gnomAD compares: Non-Finnish European, 0.000085%; no homozygotes.

Submission:

Genomenon, Inc
Classification: Likely benign for Complement component 3 deficiency; C3 glomerulonephritis; Atypical hemolytic-uremic syndrome. Last evaluated: 2026-09-17. Review status: criteria provided, single submitter. Criteria: Genomenon Sequence Variant Interpretation Standards - Updated. Collection method: curation. Allele origin: germline. Affected: no.
Comment: C3 c.504+27A>G is an intronic variant located in intron 4. This variant has been reported in the published literature (PMID:33920896). It is absent or not present at a significant frequency in gnomAD. This variant is not predicted to impact splicing. In conclusion, we classify C3 c.504+27A>G as a likely benign variant.

Literature cited by the submitters: PubMed 33920896.

NM_000064.4(C3):c.504+27A>G

Gene: C3 (complement C3; minus strand). Cytogenetic location: 19p13.3.
Variant type: single nucleotide variant.
Coding change: c.504+27A>G on transcript NM_000064.4 (MANE Select); 27 bases into the intron after coding-DNA position 504, A replaced by G.
Molecular consequence: intron variant.
Genome position (GRCh38, 1-based): chr19:6,718,067, T>C on the plus strand (A>G on the coding strand, the complement: C3 is on the minus strand). VCF-style: chr19-6718067-T-C. GRCh37 (hg19) VCF-style: chr19-6718078-T-C.
Identifiers: ClinVar variation 4280197 (VCV004280197.2).